The following is an entry in ClinVar:

ClinVar aggregate classification (germline): Uncertain significance (1 of 4 stars; one submission).

Conditions:
Gastrointestinal stromal tumor. Also called: Gastrointestinal stromal tumor, somatic; Gastrointestinal stroma tumor. Identifiers: Orphanet 44890, MedGen C0238198, MeSH D046152, MONDO:0011719, OMIM 606764, HP:0100723.

gnomAD v4.1: 1 of 1,614,168 alleles (0.000062%); highest among the groups gnomAD compares: Non-Finnish European, 0.000085%; no homozygotes.

Submission:

Labcorp Genetics (formerly Invitae), Labcorp
Classification: Uncertain significance for Gastrointestinal stromal tumor. Last evaluated: 2023-11-24. Review status: criteria provided, single submitter. Criteria: Invitae Variant Classification Sherloc (09022015). Collection method: clinical testing. Allele origin: germline.
Comment: This sequence change replaces isoleucine, which is neutral and non-polar, with leucine, which is neutral and non-polar, at codon 538 of the KIT protein (p.Ile538Leu). This variant is not present in population databases (gnomAD no frequency). This variant has not been reported in the literature in individuals affected with KIT-related conditions. An algorithm developed to predict the effect of missense changes on protein structure and function (PolyPhen-2) suggests that this variant is likely to be tolerated. In summary, the available evidence is currently insufficient to determine the role of this variant in disease. Therefore, it has been classified as a Variant of Uncertain Significance.

NM_000222.3(KIT):c.1612A>C (p.Ile538Leu)

Gene: KIT (KIT proto-oncogene, receptor tyrosine kinase; plus strand). Cytogenetic location: 4q12.
Variant type: single nucleotide variant.
Coding change: c.1612A>C on transcript NM_000222.3 (MANE Select); coding-DNA position 1612, A replaced by C.
Protein change: p.Ile538Leu; replaces isoleucine 538 with leucine.
Molecular consequence: missense variant.
Genome position (GRCh38, 1-based): chr4:54,727,289, A>C. VCF-style: chr4-54727289-A-C. GRCh37 (hg19) VCF-style: chr4-55593455-A-C.
Other names: c.1600A>C, p.Ile534Leu (NM_001385286.1, NM_001093772.2); c.1603A>C, p.Ile535Leu (NM_001385288.1, NM_001385292.1); c.1615A>C, p.Ile539Leu (NM_001385290.1, NM_001385284.1); c.1612A>C, p.Ile538Leu (NM_001385285.1); short protein forms I534L, I539L, I535L, I538L.
Identifiers: ClinVar variation 2698763 (VCV002698763.3), dbSNP rs1560417124, ClinGen allele CA356907322.